The following is an entry in ClinVar:

NM_005378.6(MYCN):c.930C>T (p.Pro310=)

Gene: MYCN (MYCN proto-oncogene, bHLH transcription factor; plus strand). Cytogenetic location: 2p24.3.
Variant type: single nucleotide variant.
Coding change: c.930C>T on transcript NM_005378.6 (MANE Select); coding-DNA position 930, C replaced by T.
Protein change: p.Pro310=; no amino-acid change (proline 310 retained).
Molecular consequence: synonymous variant. On other transcripts: 3 prime UTR variant (1).
Genome position (GRCh38, 1-based): chr2:15,945,632, C>T. VCF-style: chr2-15945632-C-T. GRCh37 (hg19) VCF-style: chr2-16085754-C-T.
Other names: c.930C>T, p.Pro310= (NM_001293228.2); c.297C>T, p.Pro99= (NM_001293231.2); c.*865C>T (NM_001293233.2).
Identifiers: ClinVar variation 3067468 (VCV003067468.21), dbSNP rs781383863, ClinGen allele CA1538281.

ClinVar aggregate classification (germline): Likely benign (1 of 4 stars; one submission).

Allele frequency attached by ClinVar (database versions not stated): ExAC 0.00002.
gnomAD v4.1: 90 of 1,614,168 alleles (0.0056%); highest among the groups gnomAD compares: South Asian, 0.032%; no homozygotes.

Submission:

CeGaT Center for Human Genetics Tuebingen
Classification: Likely benign. Last evaluated: 2024-03-01. Review status: criteria provided, single submitter. Criteria: CeGaT Center For Human Genetics Tuebingen Variant Classification Criteria Version 2. Collection method: clinical testing. Allele origin: germline. Affected: yes. Observed: 1 variant allele.
Comment: MYCN: BP4, BP7